The following is an entry in ClinVar:

NM_006514.4(SCN10A):c.860C>G (p.Thr287Ser)

Gene: SCN10A (sodium voltage-gated channel alpha subunit 10; minus strand). Cytogenetic location: 3p22.2.
Variant type: single nucleotide variant.
Coding change: c.860C>G on transcript NM_006514.4 (MANE Select); coding-DNA position 860, C replaced by G.
Protein change: p.Thr287Ser; replaces threonine 287 with serine.
Molecular consequence: missense variant.
Genome position (GRCh38, 1-based): chr3:38,761,215, G>C on the plus strand (C>G on the coding strand, the complement: SCN10A is on the minus strand). VCF-style: chr3-38761215-G-C. GRCh37 (hg19) VCF-style: chr3-38802706-G-C.
Other names: c.860C>G, p.Thr287Ser (NM_001293306.2, NM_001293307.2); c.860C>G (NM_006514.3); short protein forms T287S.
Identifiers: ClinVar variation 1057701 (VCV001057701.8), dbSNP rs779570073, ClinGen allele CA352171510.

ClinVar aggregate classification (germline): Uncertain significance. Review status: criteria provided, multiple submitters, no conflicts (2 of 4 stars). 3 submissions from 3 submitters: Uncertain significance (3). Last evaluated 2022-07-25.

Conditions:
Cardiovascular phenotype. Identifiers: MedGen CN230736.
Episodic pain syndrome, familial, 2 (FEPS2). Identifiers: Orphanet 306577, MedGen C3809893, MONDO:0014246, OMIM 615551.
Brugada syndrome. Also called: Sudden unexpected nocturnal death syndrome; Sudden Unexplained Death Syndrome; Sudden Unexplained Nocturnal Death Syndrome (SUNDS); Sudden unexplained nocturnal death syndrome. Identifiers: Orphanet 130, MedGen C1142166, MONDO:0015263.

gnomAD v4.1: 5 of 1,607,672 alleles (0.00031%); highest among the groups gnomAD compares: Non-Finnish European, 0.00043%; no homozygotes.

Submissions (3):

Ambry Genetics
Classification: Uncertain significance for Cardiovascular phenotype. Last evaluated: 2022-07-25. Review status: criteria provided, single submitter. Criteria: Ambry Variant Classification Scheme 2023. Collection method: clinical testing. Allele origin: germline.
Comment: The p.T287S variant (also known as c.860C>G), located in coding exon 6 of the SCN10A gene, results from a C to G substitution at nucleotide position 860. The threonine at codon 287 is replaced by serine, an amino acid with similar properties. This amino acid position is conserved. In addition, this alteration is predicted to be tolerated by in silico analysis. Since supporting evidence is limited at this time, the clinical significance of this alteration remains unclear.

Fulgent Genetics
Classification: Uncertain significance for Episodic pain syndrome, familial, 2. Last evaluated: 2021-07-13. Review status: criteria provided, single submitter. Criteria: ACMG Guidelines, 2015. Collection method: clinical testing. Allele origin: unknown.

Labcorp Genetics (formerly Invitae), Labcorp
Classification: Uncertain significance for Brugada syndrome. Last evaluated: 2020-09-03. Review status: criteria provided, single submitter. Criteria: Invitae Variant Classification Sherloc (09022015). Collection method: clinical testing. Allele origin: germline.
Comment: In summary, the available evidence is currently insufficient to determine the role of this variant in disease. Therefore, it has been classified as a Variant of Uncertain Significance. Advanced modeling of protein sequence and biophysical properties (such as structural, functional, and spatial information, amino acid conservation, physicochemical variation, residue mobility, and thermodynamic stability) performed at Invitae indicates that this missense variant is not expected to disrupt SCN10A protein function. This variant has not been reported in the literature in individuals with SCN10A-related conditions. This variant is not present in population databases (ExAC no frequency). This sequence change replaces threonine with serine at codon 287 of the SCN10A protein (p.Thr287Ser). The threonine residue is weakly conserved and there is a small physicochemical difference between threonine and serine.